The following is an entry in ClinVar:

NM_018076.5(ODAD2):c.844G>A (p.Val282Ile)

Gene: ODAD2 (outer dynein arm docking complex subunit 2; minus strand). Cytogenetic location: 10p12.1.
Variant type: single nucleotide variant.
Coding change: c.844G>A on transcript NM_018076.5 (MANE Select); coding-DNA position 844, G replaced by A.
Protein change: p.Val282Ile; replaces valine 282 with isoleucine.
Molecular consequence: missense variant. On other transcripts: 5 prime UTR variant (2).
Genome position (GRCh38, 1-based): chr10:27,981,558, C>T on the plus strand (G>A on the coding strand, the complement: ODAD2 is on the minus strand). VCF-style: chr10-27981558-C-T. GRCh37 (hg19) VCF-style: chr10-28270487-C-T.
Other names: c.844G>A, p.Val282Ile (NM_001290020.2); c.-280G>A (NM_001290021.2); c.-81G>A (NM_001312689.2); c.844G>A (NM_018076.4); short protein forms V282I.
Identifiers: ClinVar variation 474591 (VCV000474591.10), dbSNP rs191594899, ClinGen allele CA5453695.
Genomic context (GRCh38, chr10:27,981,558, plus strand): 5'-ATTTTTCTCTTAAAAATGTGACAAGGTTTTTATAAATTGAACCTTTTCTCTCATAATTAA[C>T]GTCCCCTTCATCATCTGTTTTGCCCTTTGGGAAAAAACAAGTTTCATTCTATGATTAACA-3'
Protein context (NP_060546.2, residues 272-292): NGGKTDDEGD[Val282Ile]NYERKGSIYK

ClinVar aggregate classification (germline): Conflicting classifications of pathogenicity. Review status: criteria provided, conflicting classifications (1 of 4 stars). 3 submissions from 3 submitters: Uncertain significance (2); Likely benign (1). Last evaluated 2024-04-22.

Conditions:
Primary ciliary dyskinesia 23 (CILD23). Also called: CILIARY DYSKINESIA, PRIMARY, 23, WITH OR WITHOUT SITUS INVERSUS. Identifiers: Orphanet 244, MedGen C3809548, MONDO:0014193, OMIM 615451.
Primary ciliary dyskinesia. Also called: Ciliary dyskinesia. Identifiers: Orphanet 244, MedGen C0008780, MONDO:0016575, HP:0012265.

Allele frequency attached by ClinVar (database versions not stated): TOPMed 0.00001; gnomAD exomes 0.00002; ExAC 0.00003; 1000 Genomes Project 30x 0.00016; 1000 Genomes Project 0.00020.
gnomAD v4.1: 27 of 1,543,226 alleles (0.0017%); highest among the groups gnomAD compares: East Asian, 0.03%; no homozygotes.

Submissions (3):

Labcorp Genetics (formerly Invitae), Labcorp
Classification: Uncertain significance for Primary ciliary dyskinesia 23. Last evaluated: 2024-04-22. Review status: criteria provided, single submitter. Criteria: Invitae Variant Classification Sherloc (09022015). Collection method: clinical testing. Allele origin: germline.
Comment: This sequence change replaces valine, which is neutral and non-polar, with isoleucine, which is neutral and non-polar, at codon 282 of the ARMC4 protein (p.Val282Ile). This variant is present in population databases (rs191594899, gnomAD 0.03%). This variant has not been reported in the literature in individuals affected with ARMC4-related conditions. ClinVar contains an entry for this variant (Variation ID: 474591). Algorithms developed to predict the effect of missense changes on protein structure and function output the following: SIFT: "Not Available"; PolyPhen-2: "Benign"; Align-GVGD: "Not Available". The isoleucine amino acid residue is found in multiple mammalian species, which suggests that this missense change does not adversely affect protein function. In summary, the available evidence is currently insufficient to determine the role of this variant in disease. Therefore, it has been classified as a Variant of Uncertain Significance.

Women's Health and Genetics/Laboratory Corporation of America, LabCorp
Classification: Uncertain significance. Last evaluated: 2023-08-30. Review status: criteria provided, single submitter. Criteria: LabCorp Variant Classification Summary - May 2015. Collection method: clinical testing. Allele origin: germline.
Comment: Variant summary: ARMC4 c.844G>A (p.Val282Ile) results in a conservative amino acid change in the encoded protein sequence. Five of five in-silico tools predict a benign effect of the variant on protein function. The variant allele was found at a frequency of 2.1e-05 in 187084 control chromosomes (gnomAD). The available data on variant occurrences in the general population are insufficient to allow any conclusion about variant significance. To our knowledge, no occurrence of c.844G>A in individuals affected with Primary Ciliary Dyskinesia 23 and no experimental evidence demonstrating its impact on protein function have been reported. Two submitters have cited clinical-significance assessments for this variant to ClinVar after 2014. One submitter classified the variant as likely benign, and one submitter classified the variant as uncertain significance. Based on the evidence outlined above, the variant was classified as uncertain significance.

Ambry Genetics
Classification: Likely benign for Primary ciliary dyskinesia. Last evaluated: 2023-02-23. Review status: criteria provided, single submitter. Criteria: Ambry Variant Classification Scheme 2023. Collection method: clinical testing. Allele origin: germline.